The following is an entry in ClinVar:

ClinVar aggregate classification (germline): Likely benign. Review status: criteria provided, multiple submitters, no conflicts (2 of 4 stars). 3 submissions from 3 submitters: Likely benign (2). 1 of the submissions does not count toward it. Last evaluated 2025-09-15.

Conditions:
POMT2-related disorder. Also called: POMT2-related condition.
Muscular dystrophy-dystroglycanopathy (congenital with brain and eye anomalies), type A2. Also called: MUSCULAR DYSTROPHY-DYSTROGLYCANOPATHY (CONGENITAL WITH BRAIN AND EYE ANOMALIES), TYPE A, 2; WALKER-WARBURG SYNDROME OR MUSCLE-EYE-BRAIN DISEASE, POMT2-RELATED. Identifiers: Orphanet 588, Orphanet 899, MedGen C3150411, MONDO:0013154, OMIM 613150.
Muscular dystrophy-dystroglycanopathy (congenital with impaired intellectual development), type B, 2. Also called: Muscular dystrophy-dystroglycanopathy (congenital with intellectual disability), type B2; MUSCULAR DYSTROPHY, CONGENITAL, POMT2-RELATED. Identifiers: MedGen C3150416, MONDO:0013160, OMIM 613156.
Autosomal recessive limb-girdle muscular dystrophy type 2N. Also called: Muscular dystrophy-dystroglycanopathy (limb-girdle), type C, 2; MUSCULAR DYSTROPHY-DYSTROGLYCANOPATHY, LIMB-GIRDLE, POMT2-RELATED. Identifiers: Orphanet 206559, MedGen C3150418, MONDO:0013162, OMIM 613158.

Allele frequency attached by ClinVar (database versions not stated): gnomAD exomes 0.00002 and 0.00001; gnomAD 0.00004 and 0.00005; 1000 Genomes Project 30x 0.00016; 1000 Genomes Project 0.00020; TOPMed 0.00003; ExAC 0.00002.
gnomAD v4.1: 25 of 1,612,860 alleles (0.0016%); highest among the groups gnomAD compares: African/African-American, 0.019%; no homozygotes.

Submissions (3):

Labcorp Genetics (formerly Invitae), Labcorp
Classification: Likely benign for Muscular dystrophy-dystroglycanopathy (congenital with impaired intellectual development), type B, 2; Muscular dystrophy-dystroglycanopathy (congenital with brain and eye anomalies), type A2; Autosomal recessive limb-girdle muscular dystrophy type 2N. Last evaluated: 2025-09-15. Review status: criteria provided, single submitter. Criteria: Invitae Variant Classification Sherloc (09022015). Collection method: clinical testing. Allele origin: germline.

GeneDx
Classification: Likely benign. Last evaluated: 2017-11-21. Review status: criteria provided, single submitter. Criteria: GeneDx Variant Classification (06012015). Collection method: clinical testing. Allele origin: germline. Affected: yes.
Comment: This variant is considered likely benign or benign based on one or more of the following criteria: it is a conservative change, it occurs at a poorly conserved position in the protein, it is predicted to be benign by multiple in silico algorithms, and/or has population frequency not consistent with disease.

PreventionGenetics, part of Exact Sciences
Classification: Likely benign for POMT2-related condition. Last evaluated: 2021-07-06. Review status: no assertion criteria provided. Collection method: clinical testing. Allele origin: germline. Not counted in ClinVar's aggregate classification.
Comment: This variant is classified as likely benign based on ACMG/AMP sequence variant interpretation guidelines (Richards et al. 2015 PMID: 25741868, with internal and published modifications).

NM_013382.7(POMT2):c.1253+9A>G

Gene: POMT2 (protein O-mannosyltransferase 2; minus strand). Cytogenetic location: 14q24.3.
Variant type: single nucleotide variant.
Coding change: c.1253+9A>G on transcript NM_013382.7 (MANE Select); 9 bases into the intron after coding-DNA position 1253, A replaced by G.
Molecular consequence: intron variant.
Genome position (GRCh38, 1-based): chr14:77,288,753, T>C on the plus strand (A>G on the coding strand, the complement: POMT2 is on the minus strand). VCF-style: chr14-77288753-T-C. GRCh37 (hg19) VCF-style: chr14-77755096-T-C.
Identifiers: ClinVar variation 513413 (VCV000513413.12), dbSNP rs187294379, ClinGen allele CA7285920.